The following is an entry in ClinVar:

NM_001195.5(BFSP1):c.280A>C (p.Ser94Arg)

Gene: BFSP1 (beaded filament structural protein 1; minus strand). Cytogenetic location: 20p12.1.
Variant type: single nucleotide variant.
Coding change: c.280A>C on transcript NM_001195.5 (MANE Select); coding-DNA position 280, A replaced by C.
Protein change: p.Ser94Arg; replaces serine 94 with arginine.
Molecular consequence: missense variant. On other transcripts: intron variant (4).
Genome position (GRCh38, 1-based): chr20:17,531,050, T>G on the plus strand (A>C on the coding strand, the complement: BFSP1 is on the minus strand). VCF-style: chr20-17531050-T-G. GRCh37 (hg19) VCF-style: chr20-17511695-T-G.
Other names: c.-40-6142A>C (NM_001278608.2, NM_001278606.2); c.45-6142A>C (NM_001278607.2); c.3-6142A>C (NM_001161705.2); short protein forms S94R.
Identifiers: ClinVar variation 2393314 (VCV002393314.4), dbSNP rs913200482, ClinGen allele CA312243863.

ClinVar aggregate classification (germline): Uncertain significance. Review status: criteria provided, multiple submitters, no conflicts (2 of 4 stars). 2 submissions from 2 submitters: Uncertain significance (2). Last evaluated 2025-10-18.

Conditions:
Inborn genetic diseases. Identifiers: MedGen C0950123, MeSH D030342.
Cataract 33. Also called: CATARACT 33, CORTICAL. Identifiers: Orphanet 91492, MedGen C3808107, MONDO:0012665, OMIM 611391.

Allele frequency attached by ClinVar (database versions not stated): TOPMed 0.00005; gnomAD 0.00003; gnomAD exomes 0.00001.
gnomAD v4.1: 14 of 1,416,840 alleles (0.00099%); highest among the groups gnomAD compares: Admixed American, 0.029%; no homozygotes.

Submissions (2):

Labcorp Genetics (formerly Invitae), Labcorp
Classification: Uncertain significance for Cataract 33. Last evaluated: 2025-10-18. Review status: criteria provided, single submitter. Criteria: Invitae Variant Classification Sherloc (09022015). Collection method: clinical testing. Allele origin: germline.
Comment: This sequence change replaces serine, which is neutral and polar, with arginine, which is basic and polar, at codon 94 of the BFSP1 protein (p.Ser94Arg). This variant is not present in population databases (gnomAD no frequency). This variant has not been reported in the literature in individuals affected with BFSP1-related conditions. ClinVar contains an entry for this variant (Variation ID: 2393314). Invitae Evidence Modeling of protein sequence and biophysical properties (such as structural, functional, and spatial information, amino acid conservation, physicochemical variation, residue mobility, and thermodynamic stability) indicates that this missense variant is not expected to disrupt BFSP1 protein function with a negative predictive value of 80%. In summary, the available evidence is currently insufficient to determine the role of this variant in disease. Therefore, it has been classified as a Variant of Uncertain Significance.

Ambry Genetics
Classification: Uncertain significance for Inborn genetic diseases. Last evaluated: 2021-08-12. Review status: criteria provided, single submitter. Criteria: Ambry Variant Classification Scheme 2023. Collection method: clinical testing. Allele origin: germline.